The following is an entry in ClinVar:

NC_000005.10:g.13714619CT[1]

Gene: DNAH5 (dynein axonemal heavy chain 5; minus strand). Cytogenetic location: 5p15.2.
Variant type: Microsatellite.
Genome position: GRCh38 VCF-style: chr5-13714618-ACT-A. GRCh37 (hg19) VCF-style: chr5-13714727-ACT-A.
Identifiers: ClinVar variation 1074119 (VCV001074119.7), dbSNP rs2126493943, ClinGen allele CA2580613516.
Genomic context (GRCh38, chr5:13,714,618, plus strand): 5'-GTAGGTGATGTCAGCATTGGGGTGCAGCCCAAACACCTCAGGGCTGTCATAGGCAGGCAA[ACT>A]CTGAACAACAGACACCCCAGATAAGCACAGACTGCCAACATAAGCACCGTCTAAATTACA-3'

ClinVar aggregate classification (germline): Pathogenic (1 of 4 stars; one submission).

Conditions:
Primary ciliary dyskinesia. Also called: Ciliary dyskinesia. Identifiers: Orphanet 244, MedGen C0008780, MONDO:0016575, HP:0012265.

Submission:

Labcorp Genetics (formerly Invitae), Labcorp
Classification: Pathogenic for Primary ciliary dyskinesia. Last evaluated: 2021-05-17. Review status: criteria provided, single submitter. Criteria: Invitae Variant Classification Sherloc (09022015). Collection method: clinical testing. Allele origin: germline.
Comment: This variant is not present in population databases (ExAC no frequency). This sequence change creates a premature translational stop signal (p.Ser4304Phefs*5) in the DNAH5 gene. It is expected to result in an absent or disrupted protein product. Loss-of-function variants in DNAH5 are known to be pathogenic (PMID: 11788826, 16627867). For these reasons, this variant has been classified as Pathogenic. This variant has not been reported in the literature in individuals with DNAH5-related conditions.

Literature cited by the submitters: PubMed 11788826; PubMed 16627867.